The following is an entry in ClinVar:

NM_032153.6(ZIC4):c.-15-1159G>A

Gene: ZIC4 (Zic family zinc finger 4; minus strand). Cytogenetic location: 3q24.
Variant type: single nucleotide variant.
Coding change: c.-15-1159G>A on transcript NM_032153.6 (MANE Select); 1159 bases into the intron before 15 bases upstream of the start codon, G replaced by A.
Molecular consequence: intron variant. On other transcripts: nonsense (1).
Genome position (GRCh38, 1-based): chr3:147,403,971, C>T on the plus strand (G>A on the coding strand, the complement: ZIC4 is on the minus strand). VCF-style: chr3-147403971-C-T. GRCh37 (hg19) VCF-style: chr3-147121758-C-T.
Other names: c.128G>A, p.Trp43Ter (NM_001168378.1); c.-15-1159G>A (NM_001243256.2); c.100-1159G>A (NM_001168379.2); short protein forms W43*.
Identifiers: ClinVar variation 2715664 (VCV002715664.3), dbSNP rs1039427073, ClinGen allele CA84575895.
Genomic context (GRCh38, chr3:147,403,971, plus strand): 5'-CCATCTCCCCTCTTTTCTAGGTCCAGGCCTAGGAGGCAGGGGGGTAGACTCACCTTTTCC[C>T]AGAGGGTATTATTATTTTCAATTCTTTCTAACCAAAAGGCATTCTTCCCCAAAGGTAATA-3'

ClinVar aggregate classification (germline): Uncertain significance (1 of 4 stars; one submission).

Allele frequency attached by ClinVar (database versions not stated): gnomAD exomes below 0.00001; gnomAD 0.00001; TOPMed 0.00001.
gnomAD v4.1: 4 of 1,536,606 alleles (0.00026%); highest among the groups gnomAD compares: East Asian, 0.0024%; no homozygotes.

Submission:

Labcorp Genetics (formerly Invitae), Labcorp
Classification: Uncertain significance. Last evaluated: 2025-10-01. Review status: criteria provided, single submitter. Criteria: Invitae Variant Classification Sherloc (09022015). Collection method: clinical testing. Allele origin: germline.
Comment: This sequence change creates a premature translational stop signal (p.Trp43*) in the ZIC4 gene. It is expected to result in an absent or disrupted protein product. However, the current clinical and genetic evidence is not sufficient to establish whether loss-of-function variants in ZIC4 cause disease. This variant is not present in population databases (gnomAD no frequency). This variant has not been reported in the literature in individuals affected with ZIC4-related conditions. ClinVar contains an entry for this variant (Variation ID: 2715664). In summary, the available evidence is currently insufficient to determine the role of this variant in disease. Therefore, it has been classified as a Variant of Uncertain Significance.